The following is an entry in ClinVar:

NM_003240.5(LEFTY2):c.724_725delinsTC (p.Leu242Ser)

Gene: LEFTY2 (left-right determination factor 2; minus strand). Cytogenetic location: 1q42.12.
Variant type: Indel.
Coding change: c.724_725delinsTC on transcript NM_003240.5 (MANE Select); coding-DNA positions 724 to 725, CT replaced by TC.
Protein change: p.Leu242Ser; replaces leucine 242 with serine.
Molecular consequence: missense variant.
Genome position (GRCh38, 1-based): chr1:225,939,373-225,939,374, AG replaced by GA on the plus strand (CT replaced by TC on the coding strand, the reverse complement: LEFTY2 is on the minus strand). VCF-style: chr1-225939373-AG-GA. GRCh37 (hg19) VCF-style: chr1-226127073-AG-GA.
Other names: c.622_623delinsTC, p.Leu208Ser (NM_001172425.3); short protein forms L208S, L242S.
Identifiers: ClinVar variation 1721180 (VCV001721180.5), dbSNP rs2465080640, ClinGen allele CA2580062237.
Genomic context (GRCh38, chr1:225,939,373, plus strand): 5'-GACCACTCAGTGGCTGCTTGCCTCCCTTCTGCCCAGTCCTGCACCTACCCATAGTCCCTG[AG>GA]GTCCAGGGTGTGCAGCTCCAGCTGGGGCTCCCCAAGCCCGGCTGGCGCCCCCTGCGAGGC-3'
Protein context (NP_003231.2, residues 232-252): EPQLELHTLD[Leu242Ser]RDYGAQGDCD

ClinVar aggregate classification (germline): Uncertain significance (1 of 4 stars; one submission).

Conditions:
Left-right axis malformations. Identifiers: MedGen C1866091.

Submission:

Labcorp Genetics (formerly Invitae), Labcorp
Classification: Uncertain significance for Left-right axis malformations. Last evaluated: 2022-10-25. Review status: criteria provided, single submitter. Criteria: Invitae Variant Classification Sherloc (09022015). Collection method: clinical testing. Allele origin: germline.
Comment: Algorithms developed to predict the effect of missense changes on protein structure and function are either unavailable or do not agree on the potential impact of this missense change (SIFT: "Not Available"; PolyPhen-2: "Benign"; Align-GVGD: "Not Available"). This variant has not been reported in the literature in individuals affected with LEFTY2-related conditions. The frequency data for this variant in the population databases is considered unreliable, as metrics indicate poor data quality at this position in the gnomAD database. This sequence change replaces leucine, which is neutral and non-polar, with serine, which is neutral and polar, at codon 242 of the LEFTY2 protein (p.Leu242Ser). In summary, the available evidence is currently insufficient to determine the role of this variant in disease. Therefore, it has been classified as a Variant of Uncertain Significance.